The following is an entry in ClinVar:

NM_001244008.2(KIF1A):c.631A>C (p.Asn211His)

Gene: KIF1A (kinesin family member 1A; minus strand). Cytogenetic location: 2q37.3.
Variant type: single nucleotide variant.
Coding change: c.631A>C on transcript NM_001244008.2 (MANE Select); coding-DNA position 631, A replaced by C.
Protein change: p.Asn211His; replaces asparagine 211 with histidine.
Molecular consequence: missense variant.
Genome position (GRCh38, 1-based): chr2:240,785,078, T>G on the plus strand (A>C on the coding strand, the complement: KIF1A is on the minus strand). VCF-style: chr2-240785078-T-G. GRCh37 (hg19) VCF-style: chr2-241724495-T-G.
Other names: c.631A>C, p.Asn211His (NM_001320705.2, NM_001330289.2, NM_001330290.2 and 20 more transcripts); short protein forms N211H.
Identifiers: ClinVar variation 3774955 (VCV003774955.1).

ClinVar aggregate classification (germline): Pathogenic (1 of 4 stars; one submission).

Submission:

GeneDx
Classification: Pathogenic. Last evaluated: 2024-09-30. Review status: criteria provided, single submitter. Criteria: GeneDx Variant Classification Process June 2021. Collection method: clinical testing. Allele origin: germline. Affected: yes.
Comment: In silico analysis supports that this missense variant has a deleterious effect on protein structure/function; Not observed at significant frequency in large population cohorts (gnomAD); This variant is associated with the following publications: (PMID: 26125038, 21820098, 21376300, 39009236, 33880452)